The following is an entry in ClinVar:

NM_020461.4(TUBGCP6):c.5276C>G (p.Pro1759Arg)

Gene: TUBGCP6 (tubulin gamma complex component 6; minus strand). Cytogenetic location: 22q13.33.
Variant type: single nucleotide variant.
Coding change: c.5276C>G on transcript NM_020461.4 (MANE Select); coding-DNA position 5276, C replaced by G.
Protein change: p.Pro1759Arg; replaces proline 1759 with arginine.
Molecular consequence: missense variant.
Genome position (GRCh38, 1-based): chr22:50,218,010, G>C on the plus strand (C>G on the coding strand, the complement: TUBGCP6 is on the minus strand). VCF-style: chr22-50218010-G-C. GRCh37 (hg19) VCF-style: chr22-50656439-G-C.
Other names: c.5276C>G (NM_020461.3); short protein forms P1759R.
Identifiers: ClinVar variation 1016472 (VCV001016472.6), dbSNP rs112569564, ClinGen allele CA10307094.
Genomic context (GRCh38, chr22:50,218,010, plus strand): 5'-GTGTTGTAGGACTGCTGCATGAGTGCAAAGTTGGGGTGCTCTGCACCCCGCGGGCCCCCA[G>C]GGGGCCCCCAGGCCTGGGAGATGAGCTGGCTGCGGAACTTGAGCACGAGGCTGAAGATGC-3'
Protein context (NP_065194.3, residues 1749-1769): SQLISQAWGP[Pro1759Arg]GGPRGAEHPN

ClinVar aggregate classification (germline): Uncertain significance. Review status: criteria provided, multiple submitters, no conflicts (2 of 4 stars). 2 submissions from 2 submitters: Uncertain significance (2). Last evaluated 2025-08-21.

Conditions:
Inborn genetic diseases. Identifiers: MedGen C0950123, MeSH D030342.

Allele frequency attached by ClinVar (database versions not stated): gnomAD 0.00004 and 0.00005; TOPMed 0.00005.
gnomAD v4.1: 41 of 1,612,206 alleles (0.0025%); highest among the groups gnomAD compares: African/African-American, 0.0093%; no homozygotes.

Submissions (2):

Labcorp Genetics (formerly Invitae), Labcorp
Classification: Uncertain significance. Last evaluated: 2025-08-21. Review status: criteria provided, single submitter. Criteria: Invitae Variant Classification Sherloc (09022015). Collection method: clinical testing. Allele origin: germline.
Comment: This sequence change replaces proline, which is neutral and non-polar, with arginine, which is basic and polar, at codon 1759 of the TUBGCP6 protein (p.Pro1759Arg). This variant is present in population databases (rs112569564, gnomAD 0.01%). This variant has not been reported in the literature in individuals affected with TUBGCP6-related conditions. ClinVar contains an entry for this variant (Variation ID: 1016472). An algorithm developed to predict the effect of missense changes on protein structure and function (PolyPhen-2) suggests that this variant is likely to be tolerated. In summary, the available evidence is currently insufficient to determine the role of this variant in disease. Therefore, it has been classified as a Variant of Uncertain Significance.

Ambry Genetics
Classification: Uncertain significance for Inborn genetic diseases. Last evaluated: 2024-11-12. Review status: criteria provided, single submitter. Criteria: Ambry Variant Classification Scheme 2023. Collection method: clinical testing. Allele origin: germline.